The following is an entry in ClinVar:

NM_000088.4(COL1A1):c.3106C>T (p.Arg1036Cys)

Gene: COL1A1 (collagen type I alpha 1 chain; minus strand). Cytogenetic location: 17q21.33.
Variant type: single nucleotide variant.
Coding change: c.3106C>T on transcript NM_000088.4 (MANE Select); coding-DNA position 3106, C replaced by T.
Protein change: p.Arg1036Cys; replaces arginine 1036 with cysteine.
Molecular consequence: missense variant.
Genome position (GRCh38, 1-based): chr17:50,188,631, G>A on the plus strand (C>T on the coding strand, the complement: COL1A1 is on the minus strand). VCF-style: chr17-50188631-G-A. GRCh37 (hg19) VCF-style: chr17-48265992-G-A.
Other names: short protein forms R1036C.
Identifiers: ClinVar variation 381587 (VCV000381587.10), dbSNP rs72653177, ClinGen allele CA8644558.
Genomic context (GRCh38, chr17:50,188,631, plus strand): 5'-GGCCAGGGGCACCAGGAGCACCAGGAGCACCAGGGGGTCCAGCGGGGCCGGTCTCACCAC[G>A]GTCACCCTGGCGGGGAGAGCAGGGGAATATGGGTCAGCCCCGGGTGAAGGGCCAGGATGG-3'
Protein context (NP_000079.2, residues 1026-1046): RDGSPGAKGD[Arg1036Cys]GETGPAGPPG

ClinVar aggregate classification (germline): Conflicting classifications of pathogenicity. Review status: criteria provided, conflicting classifications (1 of 4 stars). 3 submissions from 3 submitters: Uncertain significance (2); Benign (1). Last evaluated 2025-01-24.

Conditions:
Cardiovascular phenotype. Identifiers: MedGen CN230736.
Osteogenesis imperfecta type I (OI1). Also called: OI, TYPE I; OSTEOGENESIS IMPERFECTA TARDA; OSTEOGENESIS IMPERFECTA WITH BLUE SCLERAE; Lobstein disease; Classic Non-deforming Osteogenesis Imperfecta with Blue Sclerae; Lobstein's Disease. Identifiers: Orphanet 216796, Orphanet 666, MedGen C0023931, MONDO:0008146, OMIM 166200. Disease mechanism: loss of function.

Allele frequency attached by ClinVar (database versions not stated): gnomAD 0.00002; ExAC 0.00003; gnomAD exomes 0.00006.
gnomAD v4.1: 37 of 1,613,276 alleles (0.0023%); highest among the groups gnomAD compares: East Asian, 0.0022%; no homozygotes.

Submissions (3):

Labcorp Genetics (formerly Invitae), Labcorp
Classification: Benign for Osteogenesis imperfecta type I. Last evaluated: 2025-01-24. Review status: criteria provided, single submitter. Criteria: Invitae Variant Classification Sherloc (09022015). Collection method: clinical testing. Allele origin: germline.

GeneDx
Classification: Uncertain significance. Last evaluated: 2024-08-29. Review status: criteria provided, single submitter. Criteria: GeneDx Variant Classification Process June 2021. Collection method: clinical testing. Allele origin: germline. Affected: yes.
Comment: Segregates in multiple individuals with overlapping clinical features of osteogenesis imperfecta and Ehlers Danlos syndrome belonging to a single family in published literature (PMID: 18028452); In silico analysis supports that this missense variant has a deleterious effect on protein structure/function; Occurs in the triple helical domain at the Y position in the canonical Gly-X-Y repeat; although this variant may have an effect on normal protein folding and function, missense substitution at the Y position is not a common mechanism of disease (HGMD); This variant is associated with the following publications: (PMID: 9399846, 28102596, 34025714, 36404349, 37696869, 18028452)

Ambry Genetics
Classification: Uncertain significance for Cardiovascular phenotype. Last evaluated: 2023-09-28. Review status: criteria provided, single submitter. Criteria: Ambry Variant Classification Scheme 2023. Collection method: clinical testing. Allele origin: germline.
Comment: The p.R1036C variant (also known as c.3106C>T), located in coding exon 43 of the COL1A1 gene, results from a C to T substitution at nucleotide position 3106. The arginine at codon 1036 is replaced by cysteine, an amino acid with highly dissimilar properties. This variant has been detected in individuals from a Faroese family with features of osteogenesis imperfect and Ehlers-Danlos syndrome (Lund A et al. Clin Genet, 2008 Jan;73:97-101). However, this variant may not be rare in the Faroese population (Mortensen &Oacute; et al. Eur J Hum Genet, 2023 Mar;31:329-337). This amino acid position is highly conserved in available vertebrate species. In addition, this alteration is predicted to be deleterious by in silico analysis. Since supporting evidence is limited at this time, the clinical significance of this alteration remains unclear.

Literature cited by the submitters: PubMed 18028452 (cited by Ambry Genetics); PubMed 36404349 (cited by Ambry Genetics).